The following is an entry in ClinVar:

NM_001312673.2(PCYT1A):c.176A>G (p.Tyr59Cys)

Gene: PCYT1A (phosphate cytidylyltransferase 1A, choline; minus strand). Cytogenetic location: 3q29.
Variant type: single nucleotide variant.
Coding change: c.176A>G on transcript NM_001312673.2 (MANE Select); coding-DNA position 176, A replaced by G.
Protein change: p.Tyr59Cys; replaces tyrosine 59 with cysteine.
Molecular consequence: missense variant.
Genome position (GRCh38, 1-based): chr3:196,257,829, T>C on the plus strand (A>G on the coding strand, the complement: PCYT1A is on the minus strand). VCF-style: chr3-196257829-T-C. GRCh37 (hg19) VCF-style: chr3-195984700-T-C.
Other names: c.176A>G, p.Tyr59Cys (NM_005017.4); c.176A>G (NM_005017.2); short protein forms Y59C.
Identifiers: ClinVar variation 1500460 (VCV001500460.5), dbSNP rs561949003, ClinGen allele CA2779613.

ClinVar aggregate classification (germline): Uncertain significance. Review status: criteria provided, multiple submitters, no conflicts (2 of 4 stars). 2 submissions from 2 submitters: Uncertain significance (2). Last evaluated 2025-01-18.

Conditions:
Inborn genetic diseases. Identifiers: MedGen C0950123, MeSH D030342.

Allele frequency attached by ClinVar (database versions not stated): 1000 Genomes Project 30x 0.00016; 1000 Genomes Project 0.00020.
gnomAD v4.1: 31 of 1,613,224 alleles (0.0019%); highest among the groups gnomAD compares: African/African-American, 0.0053%; no homozygotes.

Submissions (2):

Ambry Genetics
Classification: Uncertain significance for Inborn genetic diseases. Last evaluated: 2025-01-18. Review status: criteria provided, single submitter. Criteria: Ambry Variant Classification Scheme 2023. Collection method: clinical testing. Allele origin: germline.

Labcorp Genetics (formerly Invitae), Labcorp
Classification: Uncertain significance. Last evaluated: 2023-12-11. Review status: criteria provided, single submitter. Criteria: Invitae Variant Classification Sherloc (09022015). Collection method: clinical testing. Allele origin: germline.
Comment: This sequence change replaces tyrosine, which is neutral and polar, with cysteine, which is neutral and slightly polar, at codon 59 of the PCYT1A protein (p.Tyr59Cys). This variant is present in population databases (rs561949003, gnomAD 0.008%). This variant has not been reported in the literature in individuals affected with PCYT1A-related conditions. ClinVar contains an entry for this variant (Variation ID: 1500460). Advanced modeling of protein sequence and biophysical properties (such as structural, functional, and spatial information, amino acid conservation, physicochemical variation, residue mobility, and thermodynamic stability) has been performed at Invitae for this missense variant, however the output from this modeling did not meet the statistical confidence thresholds required to predict the impact of this variant on PCYT1A protein function. In summary, the available evidence is currently insufficient to determine the role of this variant in disease. Therefore, it has been classified as a Variant of Uncertain Significance.